The following is an entry in ClinVar:

ClinVar aggregate classification (germline): Benign (1 of 4 stars; one submission).

Allele frequency attached by ClinVar (database versions not stated): 1000 Genomes Project 30x 0.15053; 1000 Genomes Project 0.15116; ExAC 0.20520; TOPMed 0.21112; gnomAD 0.21526; ESP Exome Variant Server 0.22966.
gnomAD v4.1: 301,788 of 1,316,530 alleles (23%); highest among the groups gnomAD compares: Non-Finnish European, 25%; 36,966 homozygotes.

Submission:

Unidad de Genómica Garrahan, Hospital de Pediatría Garrahan
Classification: Benign. Last evaluated: 2023-11-12. Review status: criteria provided, single submitter. Criteria: ACMG Guidelines, 2015. Collection method: clinical testing. Allele origin: germline. Affected: no. Observed: 21 variant alleles.
Comment: This variant is classified as Benign based on local population frequency. This variant was detected in 22% of patients studied by a panel of primary immunodeficiencies. Number of patients: 21. Only high quality variants are reported.

NM_001905.4(CTPS1):c.555+43G>A

Gene: CTPS1 (CTP synthase 1; plus strand). Cytogenetic location: 1p34.2.
Variant type: single nucleotide variant.
Coding change: c.555+43G>A on transcript NM_001905.4 (MANE Select); 43 bases into the intron after coding-DNA position 555, G replaced by A.
Molecular consequence: intron variant.
Genome position (GRCh38, 1-based): chr1:40,988,753, G>A. VCF-style: chr1-40988753-G-A. GRCh37 (hg19) VCF-style: chr1-41454425-G-A.
Other names: c.87+43G>A (NM_001301237.2).
Identifiers: ClinVar variation 2628285 (VCV002628285.2), dbSNP rs6675122, ClinGen allele CA795280.